The following is an entry in ClinVar:

NM_000059.4(BRCA2):c.2835dup (p.Asp946fs)

Gene: BRCA2 (BRCA2 DNA repair associated; plus strand). Cytogenetic location: 13q13.1.
Variant type: Duplication.
Coding change: c.2835dup on transcript NM_000059.4 (MANE Select); coding-DNA position 2835, one base duplicated (A; older notation c.2835dupA).
Protein change: p.Asp946fs; shifts the reading frame from aspartic acid 946.
Molecular consequence: frameshift variant.
Genome position (GRCh38, 1-based): chr13:32,337,190, A duplicated; the last of 6 consecutive A bases (chr13:32,337,185-32,337,190); duplicating any one gives the same sequence. VCF-style (leftmost placement, unchanged base first): chr13-32337184-T-TA. GRCh37 (hg19) VCF-style: chr13-32911321-T-TA.
Other names: c.2835dupA (NM_000059.3); short protein forms D946fs.
Identifiers: ClinVar variation 231432 (VCV000231432.12), dbSNP rs80359356, ClinGen allele CA10579553.

ClinVar aggregate classification (germline): Pathogenic. Review status: reviewed by expert panel (3 of 4 stars). 3 submissions from 3 submitters: Pathogenic (1). 2 of the submissions do not count toward it. Last evaluated 2017-12-15.

Conditions:
Hereditary cancer-predisposing syndrome. Also called: Hereditary Cancer Syndrome; Neoplastic Syndromes, Hereditary; Tumor predisposition; Hereditary neoplastic syndrome. Identifiers: Orphanet 140162, MedGen C0027672, MeSH D009386, MONDO:0015356.
Breast-ovarian cancer, familial, susceptibility to, 2 (BROVCA2). Also called: BRCA2 Hereditary Breast and Ovarian Cancer. Identifiers: Orphanet 145, MedGen C2675520, MONDO:0012933, OMIM 612555. Disease mechanism: loss of function.
Hereditary breast ovarian cancer syndrome. Also called: Hereditary breast and/or ovarian cancer syndrome; BRCA1- and BRCA2-Associated Hereditary Breast and Ovarian Cancer; Hereditary breast and ovarian cancer syndrome (HBOC); Hereditary breast and ovarian cancer; Hereditary breast and ovarian cancer syndrome; Breast and ovarian cancer. Identifiers: Orphanet 145, MedGen C0677776, MeSH D061325, MONDO:0003582. Disease mechanism: loss of function.

Submissions (3):

Evidence-based Network for the Interpretation of Germline Mutant Alleles (ENIGMA)
Classification: Pathogenic for Breast-ovarian cancer, familial, susceptibility to, 2. Last evaluated: 2017-12-15. Review status: reviewed by expert panel. Criteria: ENIGMA BRCA1/2 Classification Criteria (2017-06-29). Collection method: curation. Allele origin: germline. Study: ENIGMA.
Comment: Variant allele predicted to encode a truncated non-functional protein.

Labcorp Genetics (formerly Invitae), Labcorp
Classification: Pathogenic for Hereditary breast ovarian cancer syndrome. Last evaluated: 2025-07-23. Review status: criteria provided, single submitter. Criteria: Invitae Variant Classification Sherloc (09022015). Collection method: clinical testing. Allele origin: germline. Not counted in ClinVar's aggregate classification.
Comment: This sequence change creates a premature translational stop signal (p.Asp946Argfs*13) in the BRCA2 gene. It is expected to result in an absent or disrupted protein product. Loss-of-function variants in BRCA2 are known to be pathogenic (PMID: 20104584). This variant is not present in population databases (gnomAD no frequency). This premature translational stop signal has been observed in individual(s) with clinical features of BRCA2-related conditions (PMID: 28724667, 30702160, 31825140). This variant is also known as 2830dupA, c.2829_2830insA. ClinVar contains an entry for this variant (Variation ID: 231432). For these reasons, this variant has been classified as Pathogenic.

Ambry Genetics
Classification: Pathogenic for Hereditary cancer-predisposing syndrome. Last evaluated: 2015-04-22. Review status: criteria provided, single submitter. Criteria: Ambry Variant Classification Scheme 2023. Collection method: clinical testing. Allele origin: germline. Not counted in ClinVar's aggregate classification.
Comment: The c.2835dupA (also known as 3063insA) pathogenic mutation, located in coding exon 10 of the BRCA2 gene, results from a duplication of A at nucleotide position 2835, causing a translational frameshift with a predicted alternate stop codon. Since frameshifts are typically deleterious in nature, this alteration is interpreted as a disease-causing mutation (ACMG Recommendations for Standards for Interpretation and Reporting of Sequence Variations. Revision 2007. Genet Med. 2008;10:294).

Literature cited by the submitters: PubMed 20104584 (cited by Labcorp Genetics (formerly Invitae), Labcorp); PubMed 28724667 (cited by Labcorp Genetics (formerly Invitae), Labcorp); PubMed 30702160 (cited by Labcorp Genetics (formerly Invitae), Labcorp); PubMed 31825140 (cited by Labcorp Genetics (formerly Invitae), Labcorp).